The following is an entry in ClinVar:

NM_018075.5(ANO10):c.50_51dup (p.Val19fs)

Gene: ANO10 (anoctamin 10; minus strand). Cytogenetic location: 3p21.33.
Variant type: Duplication.
Coding change: c.50_51dup on transcript NM_018075.5 (MANE Select); coding-DNA positions 50 to 51, 2 bases duplicated (CT; older notation c.50_51dupCT).
Protein change: p.Val19fs; shifts the reading frame from valine 19.
Molecular consequence: frameshift variant.
Genome position (GRCh38, 1-based): chr3:43,605,802-43,605,803, AG duplicated on the plus strand (CT on the coding strand, the reverse complement: ANO10 is on the minus strand). VCF-style (leftmost placement, unchanged base first): chr3-43605801-A-AAG. GRCh37 (hg19) VCF-style: chr3-43647293-A-AAG.
Other names: c.50_51dup, p.Val19fs (NM_001204831.3, NM_001204832.3, NM_001204833.3 and 8 more transcripts); short protein forms V19fs.
Identifiers: ClinVar variation 4081740 (VCV004081740.1).

ClinVar aggregate classification (germline): Pathogenic (1 of 4 stars; one submission).

Conditions:
Autosomal recessive spinocerebellar ataxia 10. Identifiers: Orphanet 284289, MedGen C3150998, MONDO:0013392, OMIM 613728.

Submission:

Myriad Genetics, Inc.
Classification: Pathogenic for Autosomal recessive spinocerebellar ataxia 10. Last evaluated: 2025-03-31. Review status: criteria provided, single submitter. Criteria: Myriad Autosomal Dominant, Autosomal Recessive and X-Linked Classification Criteria (2023). Collection method: clinical testing. Allele origin: unknown.
Comment: NM_018075.3(ANO10):c.50_51dupCT(V19Wfs*4) is a frameshift variant classified as pathogenic in the context of spinocerebellar ataxia, ANO10-related. V19Wfs*4 has not been observed in cases with relevant disease. Relevant functional assessments of this variant are not available in the literature. V19Wfs*4 has been observed in referenced population frequency databases. In summary, NM_018075.3(ANO10):c.50_51dupCT(V19Wfs*4) is a frameshift variant in a gene where loss of function is a known mechanism of disease and is predicted to disrupt protein function. Please note: this variant was assessed in the context of healthy population screening.